The following is an entry in ClinVar:

ClinVar aggregate classification (germline): Uncertain significance. Review status: criteria provided, multiple submitters, no conflicts (2 of 4 stars). 4 submissions from 4 submitters: Uncertain significance (4). Last evaluated 2026-03-30.

Conditions:
PDE6B-related disorder. Also called: PDE6B-related disease; PDE6B-related condition; PDE6B-related disorders.
Inborn genetic diseases. Identifiers: MedGen C0950123, MeSH D030342.

Allele frequency attached by ClinVar (database versions not stated): gnomAD exomes below 0.00001; ExAC 0.00001.
gnomAD v4.1: 2 of 1,613,862 alleles (0.00012%); highest among the groups gnomAD compares: Non-Finnish European, 0.00017%; no homozygotes.

Submissions (4):

PreventionGenetics, part of Exact Sciences
Classification: Uncertain significance for PDE6B-related condition. Last evaluated: 2026-03-30. Review status: criteria provided, single submitter. Criteria: ACMG Guidelines, 2015. Collection method: clinical testing. Allele origin: germline.
Comment: The PDE6B c.847G>A variant is predicted to result in the amino acid substitution p.Glu283Lys. To our knowledge, this variant has not been reported in the literature. This variant is present in 0.0054% of alleles in individuals of East Asian descent in gnomAD. At this time, the clinical significance of this variant is uncertain due to the absence of conclusive functional and genetic evidence.

GeneDx
Classification: Uncertain significance. Last evaluated: 2023-12-14. Review status: criteria provided, single submitter. Criteria: GeneDx Variant Classification Process June 2021. Collection method: clinical testing. Allele origin: germline. Affected: yes.
Comment: In silico analysis supports that this missense variant has a deleterious effect on protein structure/function; Has not been previously published as pathogenic or benign to our knowledge

Ambry Genetics
Classification: Uncertain significance for Inborn genetic diseases. Last evaluated: 2022-08-02. Review status: criteria provided, single submitter. Criteria: Ambry Variant Classification Scheme 2023. Collection method: clinical testing. Allele origin: germline.

Labcorp Genetics (formerly Invitae), Labcorp
Classification: Uncertain significance. Last evaluated: 2022-03-13. Review status: criteria provided, single submitter. Criteria: Invitae Variant Classification Sherloc (09022015). Collection method: clinical testing. Allele origin: germline.
Comment: Algorithms developed to predict the effect of missense changes on protein structure and function are either unavailable or do not agree on the potential impact of this missense change (SIFT: "Deleterious"; PolyPhen-2: "Possibly Damaging"; Align-GVGD: "Class C15"). This variant has not been reported in the literature in individuals affected with PDE6B-related conditions. This variant is present in population databases (rs756082042, gnomAD 0.006%). In summary, the available evidence is currently insufficient to determine the role of this variant in disease. Therefore, it has been classified as a Variant of Uncertain Significance. This sequence change replaces glutamic acid, which is acidic and polar, with lysine, which is basic and polar, at codon 283 of the PDE6B protein (p.Glu283Lys).

NM_000283.4(PDE6B):c.847G>A (p.Glu283Lys)

Genes: PDE6B (phosphodiesterase 6B; plus strand), PDE6B-AS1 (PDE6B antisense RNA 1; minus strand). Cytogenetic location: 4p16.3.
Variant type: single nucleotide variant.
Coding change: c.847G>A on transcript NM_000283.4 (MANE Select); coding-DNA position 847, G replaced by A.
Protein change: p.Glu283Lys; replaces glutamic acid 283 with lysine.
Molecular consequence: missense variant. On other transcripts: 5 prime UTR variant (1).
Genome position (GRCh38, 1-based): chr4:653,987, G>A. VCF-style: chr4-653987-G-A. GRCh37 (hg19) VCF-style: chr4-647776-G-A.
Other names: c.847G>A, p.Glu283Lys (NM_001145291.2); c.10G>A, p.Glu4Lys (NM_001145292.2, NM_001350154.3, NM_001379246.1 and 1 more transcripts); c.-194G>A (NM_001350155.3); short protein forms E4K, E283K.
Identifiers: ClinVar variation 2110762 (VCV002110762.7), dbSNP rs756082042, ClinGen allele CA2794144.